The following is an entry in ClinVar:

ClinVar aggregate classification (germline): Pathogenic (1 of 4 stars; one submission).

Conditions:
Diamond-Blackfan anemia 10 (DBA10). Also called: RPS26-Related Diamond-Blackfan Anemia. Identifiers: Orphanet 124, MedGen C2750080, MONDO:0013217, OMIM 613309.

Submission:

Labcorp Genetics (formerly Invitae), Labcorp
Classification: Pathogenic for Diamond-Blackfan anemia 10. Last evaluated: 2023-10-05. Review status: criteria provided, single submitter. Criteria: Invitae Variant Classification Sherloc (09022015). Collection method: clinical testing. Allele origin: germline.
Comment: This sequence change creates a premature translational stop signal (p.Ala27Profs*10) in the RPS26 gene. It is expected to result in an absent or disrupted protein product. Loss-of-function variants in RPS26 are known to be pathogenic (PMID: 20116044, 23718193). This variant is not present in population databases (gnomAD no frequency). This variant has not been reported in the literature in individuals affected with RPS26-related conditions. For these reasons, this variant has been classified as Pathogenic.

Literature cited by the submitters: PubMed 20116044; PubMed 23718193.

NM_001029.5(RPS26):c.78_79del (p.Ala27fs)

Gene: RPS26 (ribosomal protein S26; plus strand). Cytogenetic location: 12q13.2.
Variant type: Microsatellite.
Coding change: c.78_79del on transcript NM_001029.5 (MANE Select); coding-DNA positions 78 to 79, 2 bases deleted (TG; older notation c.78_79delTG).
Protein change: p.Ala27fs; shifts the reading frame from alanine 27.
Molecular consequence: frameshift variant.
Genome position (GRCh38, 1-based): chr12:56,042,499-56,042,500, TG deleted; deleting any 2 consecutive bases within chr12:56,042,497-56,042,500 gives the same sequence; the c. name uses the placement nearest the transcript's 3' end. VCF-style (leftmost placement, unchanged base first): chr12-56042496-CTG-C. GRCh37 (hg19) VCF-style: chr12-56436280-CTG-C.
Other names: short protein forms A27fs.
Identifiers: ClinVar variation 2027475 (VCV002027475.4), dbSNP rs140419130, ClinGen allele CA237623937.